The following is an entry in ClinVar:

ClinVar aggregate classification (germline): Benign/Likely benign. Review status: criteria provided, multiple submitters, no conflicts (2 of 4 stars). 7 submissions from 6 submitters: Benign (4); Likely benign (2). 1 of the submissions does not count toward it. Last evaluated 2026-02-02.

Conditions:
Joubert syndrome 24 (JBTS24). Identifiers: Orphanet 475, MedGen C4084841, MONDO:0014724, OMIM 616654.
Meckel-Gruber syndrome. Also called: DYSENCEPHALIA SPLANCHNOCYSTICA; GRUBER SYNDROME; Dysencephalia splachnocystica. Identifiers: Orphanet 564, MedGen C0265215, MONDO:0018921.
Joubert syndrome. Also called: CEREBELLOPARENCHYMAL DISORDER IV; Familial aplasia of the vermis; JOUBERT-BOLTSHAUSER SYNDROME. Identifiers: Orphanet 475, MedGen C5979921, MONDO:0018772.
Meckel syndrome, type 8. Identifiers: Orphanet 564, MedGen C3836857, MONDO:0013482, OMIM 613885.

Allele frequency attached by ClinVar (database versions not stated): 1000 Genomes Project 30x 0.00921; TOPMed 0.00971; 1000 Genomes Project 0.00978; gnomAD 0.01028 and 0.01119; ESP Exome Variant Server 0.01292; gnomAD exomes 0.01432 and 0.01743; ExAC 0.01474.
gnomAD v4.1: 27,077 of 1,614,186 alleles (1.7%); highest among the groups gnomAD compares: South Asian, 3.8%; 317 homozygotes.

Submissions (7):

Labcorp Genetics (formerly Invitae), Labcorp
Classification: Benign for Joubert syndrome; Meckel-Gruber syndrome. Last evaluated: 2026-02-02. Review status: criteria provided, single submitter. Criteria: Invitae Variant Classification Sherloc (09022015). Collection method: clinical testing. Allele origin: germline.

Illumina Laboratory Services, Illumina
Classification: Likely benign for Meckel syndrome, type 8. Last evaluated: 2018-01-12. Review status: criteria provided, single submitter. Criteria: ICSL Variant Classification Criteria 13 December 2019. Collection method: clinical testing. Allele origin: germline.
Comment: This variant was observed in the ICSL laboratory as part of a predisposition screen in an ostensibly healthy population. It had not been previously curated by ICSL or reported in the Human Gene Mutation Database (HGMD: prior to June 1st, 2018), and was therefore a candidate for classification through an automated scoring system. Utilizing variant allele frequency, disease prevalence and penetrance estimates, and inheritance mode, an automated score was calculated to assess if this variant is too frequent to cause the disease. Based on the score and internal cut-off values, a variant classified as likely benign is not then subjected to further curation. The score for this variant resulted in a classification of likely benign for this disease.

Illumina Laboratory Services, Illumina
Classification: Benign for Joubert syndrome 24. Last evaluated: 2018-01-12. Review status: criteria provided, single submitter. Criteria: ICSL Variant Classification Criteria 13 December 2019. Collection method: clinical testing. Allele origin: germline.
Comment: This variant was observed in the ICSL laboratory as part of a predisposition screen in an ostensibly healthy population. It had not been previously curated by ICSL or reported in the Human Gene Mutation Database (HGMD: prior to June 1st, 2018), and was therefore a candidate for classification through an automated scoring system. Utilizing variant allele frequency, disease prevalence and penetrance estimates, and inheritance mode, an automated score was calculated to assess if this variant is too frequent to cause the disease. Based on the score and internal cut-off values, a variant classified as benign is not then subjected to further curation. The score for this variant resulted in a classification of benign for this disease.

GeneDx
Classification: Benign. Last evaluated: 2016-09-06. Review status: criteria provided, single submitter. Criteria: GeneDx Variant Classification (06012015). Collection method: clinical testing. Allele origin: germline. Affected: yes.
Comment: This variant is considered likely benign or benign based on one or more of the following criteria: it is a conservative change, it occurs at a poorly conserved position in the protein, it is predicted to be benign by multiple in silico algorithms, and/or has population frequency not consistent with disease.

Breakthrough Genomics
Classification: Likely benign. Review status: criteria provided, single submitter. Criteria: ACMG Guidelines, 2015. Collection method: not provided. Allele origin: germline. Inheritance: Autosomal recessive inheritance. Affected: yes.

PreventionGenetics, part of Exact Sciences
Classification: Benign. Review status: criteria provided, single submitter. Criteria: ACMG Guidelines, 2015. Collection method: clinical testing. Allele origin: germline.

Genetic Services Laboratory, University of Chicago
Classification: Likely benign for AllHighlyPenetrant. Review status: no assertion criteria provided. Collection method: clinical testing. Allele origin: germline. Inheritance: Autosomal recessive inheritance. Observed: 3 variant alleles. Not counted in ClinVar's aggregate classification.
Comment: Likely benign based on allele frequency in 1000 Genomes Project or ESP global frequency and its presence in a patient with a rare or unrelated disease phenotype. NOT Sanger confirmed.

NM_024809.5(TCTN2):c.2041T>C (p.Leu681=)

Gene: TCTN2 (tectonic family member 2; plus strand). Cytogenetic location: 12q24.31.
Variant type: single nucleotide variant.
Coding change: c.2041T>C on transcript NM_024809.5 (MANE Select); coding-DNA position 2041, T replaced by C.
Protein change: p.Leu681=; no amino-acid change (leucine 681 retained).
Molecular consequence: synonymous variant.
Genome position (GRCh38, 1-based): chr12:123,707,660, T>C. VCF-style: chr12-123707660-T-C. GRCh37 (hg19) VCF-style: chr12-124192207-T-C.
Other names: c.2038T>C, p.Leu680= (NM_001143850.3).
Identifiers: ClinVar variation 126286 (VCV000126286.23), dbSNP rs112158562, ClinGen allele CA150960.